The following is an entry in ClinVar:

NM_001349206.2(LPIN1):c.596+152G>T

Gene: LPIN1 (lipin 1; plus strand). Cytogenetic location: 2p25.1.
Variant type: single nucleotide variant.
Coding change: c.596+152G>T on transcript NM_001349206.2 (MANE Select); 152 bases into the intron after coding-DNA position 596, G replaced by T.
Molecular consequence: intron variant.
Genome position (GRCh38, 1-based): chr2:11,771,831, G>T. VCF-style: chr2-11771831-G-T. GRCh37 (hg19) VCF-style: chr2-11911957-G-T.
Other names: c.743+152G>T (NM_001261428.3, NM_001349208.2); c.686+152G>T (NM_001349207.2); c.614+152G>T (NM_001261427.3); c.596+152G>T (NM_001349204.2, NM_001349202.2, NM_001349200.2 and 5 more transcripts).
Identifiers: ClinVar variation 670452 (VCV000670452.1), dbSNP rs72773999, ClinGen allele CA15214929.

ClinVar aggregate classification (germline): Benign (1 of 4 stars; one submission).

Allele frequency attached by ClinVar (database versions not stated): 1000 Genomes Project 30x 0.08089; 1000 Genomes Project 0.08407; TOPMed 0.13921; gnomAD 0.14311 and 0.14566.
gnomAD v4.1: 116,736 of 728,914 alleles (16%); highest among the groups gnomAD compares: Non-Finnish European, 20%; 10,953 homozygotes.

Submission:

GeneDx
Classification: Benign. Last evaluated: 2018-06-19. Review status: criteria provided, single submitter. Criteria: GeneDx Variant Classification (06012015). Collection method: clinical testing. Allele origin: germline. Affected: yes.
Comment: This variant is considered likely benign or benign based on one or more of the following criteria: it is a conservative change, it occurs at a poorly conserved position in the protein, it is predicted to be benign by multiple in silico algorithms, and/or has population frequency not consistent with disease.